The following is an entry in ClinVar:

NM_000371.3(TTR):c.*191C>T

Gene: TTR (transthyretin; plus strand). Cytogenetic location: 18q12.1.
Variant type: single nucleotide variant.
Coding change: c.*191C>T on transcript NM_000371.3; 191 bases downstream of the stop codon, C replaced by T.
Genome position (GRCh38, 1-based): chr18:31,598,866, C>T. VCF-style: chr18-31598866-C-T. GRCh37 (hg19) VCF-style: chr18-29178829-C-T.
Identifiers: ClinVar variation 326567 (VCV000326567.8), dbSNP rs556327750, ClinGen allele CA10650774.

ClinVar aggregate classification (germline): Benign. Review status: criteria provided, multiple submitters, no conflicts (2 of 4 stars). 2 submissions from 2 submitters: Benign (2). Last evaluated 2018-01-12.

Conditions:
Amyloidosis, hereditary systemic 1 (AMYLD1). Also called: Familial amyloid polyneuropathy; Hereditary oculoleptomeningeal amyloid angiopathy; Familial Transthyretin Amyloidosis; AMYLOID CARDIOMYOPATHY; Transthyretin Amyloidosis; Hereditary Transthyretin Amyloidosis. Identifiers: Orphanet 85447, Orphanet 85451, MedGen C2751492, MONDO:0971004, OMIM 105210.

Allele frequency attached by ClinVar (database versions not stated): TOPMed 0.00014; 1000 Genomes Project 30x 0.00203; gnomAD 0.00023; 1000 Genomes Project 0.00240.

Submissions (2):

Illumina Laboratory Services, Illumina
Classification: Benign for Amyloidosis, hereditary systemic 1. Last evaluated: 2018-01-12. Review status: criteria provided, single submitter. Criteria: ICSL Variant Classification Criteria 13 December 2019. Collection method: clinical testing. Allele origin: germline.
Comment: This variant was observed in the ICSL laboratory as part of a predisposition screen in an ostensibly healthy population. It had not been previously curated by ICSL or reported in the Human Gene Mutation Database (HGMD: prior to June 1st, 2018), and was therefore a candidate for classification through an automated scoring system. Utilizing variant allele frequency, disease prevalence and penetrance estimates, and inheritance mode, an automated score was calculated to assess if this variant is too frequent to cause the disease. Based on the score and internal cut-off values, a variant classified as benign is not then subjected to further curation. The score for this variant resulted in a classification of benign for this disease.

Breakthrough Genomics
Classification: Benign. Review status: criteria provided, single submitter. Criteria: ACMG Guidelines, 2015. Collection method: not provided. Allele origin: germline. Inheritance: Autosomal dominant inheritance. Affected: yes.